The following is an entry in ClinVar:

ClinVar aggregate classification (germline): Uncertain significance (1 of 4 stars; one submission).

Conditions:
Cryopyrin associated periodic syndrome (CAPS). Identifiers: Orphanet 208650, MedGen C2316212, MONDO:0016168.

Submission:

Labcorp Genetics (formerly Invitae), Labcorp
Classification: Uncertain significance for Cryopyrin associated periodic syndrome. Last evaluated: 2022-03-14. Review status: criteria provided, single submitter. Criteria: Invitae Variant Classification Sherloc (09022015). Collection method: clinical testing. Allele origin: germline.
Comment: Advanced modeling of protein sequence and biophysical properties (such as structural, functional, and spatial information, amino acid conservation, physicochemical variation, residue mobility, and thermodynamic stability) performed at Invitae indicates that this missense variant is expected to disrupt NLRP3 protein function. In summary, the available evidence is currently insufficient to determine the role of this variant in disease. Therefore, it has been classified as a Variant of Uncertain Significance. This variant has not been reported in the literature in individuals affected with NLRP3-related conditions. This variant is not present in population databases (gnomAD no frequency). This sequence change replaces leucine, which is neutral and non-polar, with proline, which is neutral and non-polar, at codon 822 of the NLRP3 protein (p.Leu822Pro).

NM_001243133.2(NLRP3):c.2459T>C (p.Leu820Pro)

Gene: NLRP3 (NLR family pyrin domain containing 3; plus strand). Cytogenetic location: 1q44.
Variant type: single nucleotide variant.
Coding change: c.2459T>C on transcript NM_001243133.2 (MANE Select); coding-DNA position 2459, T replaced by C.
Protein change: p.Leu820Pro; replaces leucine 820 with proline.
Molecular consequence: missense variant.
Genome position (GRCh38, 1-based): chr1:247,434,240, T>C. VCF-style: chr1-247434240-T-C. GRCh37 (hg19) VCF-style: chr1-247597542-T-C.
Other names: c.2459T>C, p.Leu820Pro (NM_001079821.3, NM_001127461.3); c.2288T>C, p.Leu763Pro (NM_001127462.3, NM_183395.3); c.2465T>C, p.Leu822Pro (NM_004895.5); short protein forms L763P, L820P, L822P.
Identifiers: ClinVar variation 2056745 (VCV002056745.4), dbSNP rs2527368341, ClinGen allele CA345561351.
Genomic context (GRCh38, chr1:247,434,240, plus strand): 5'-AGCTGGACCTGAGTGACAACGCCCTCGGTGACTTCGGAATCAGACTTCTGTGTGTGGGAC[T>C]GAAGCACCTGTTGTGCAATCTGAAGAAGCTCTGGTGAGTCGAGCCCGTTCCCCTAAGGAA-3'
Protein context (NP_001230062.1, residues 810-830): DFGIRLLCVG[Leu820Pro]KHLLCNLKKL